The following is an entry in ClinVar:

NM_030662.4(MAP2K2):c.706-9C>G

Gene: MAP2K2 (mitogen-activated protein kinase kinase 2; minus strand). Cytogenetic location: 19p13.3.
Variant type: single nucleotide variant.
Coding change: c.706-9C>G on transcript NM_030662.4 (MANE Select); 9 bases into the intron before coding-DNA position 706, C replaced by G.
Molecular consequence: intron variant.
Genome position (GRCh38, 1-based): chr19:4,099,423, G>C on the plus strand (C>G on the coding strand, the complement: MAP2K2 is on the minus strand). VCF-style: chr19-4099423-G-C. GRCh37 (hg19) VCF-style: chr19-4099421-G-C.
Other names: p.?; c.706-9C>G (NM_030662.3).
Identifiers: ClinVar variation 2715963 (VCV002715963.4), dbSNP rs1448863495, ClinGen allele CA2584878522.

ClinVar aggregate classification (germline): Likely benign. Review status: criteria provided, multiple submitters, no conflicts (2 of 4 stars). 2 submissions from 2 submitters: Likely benign (2). Last evaluated 2025-03-04.

Conditions:
RASopathy. Also called: Noonan spectrum disorder; rasopathies. Identifiers: Orphanet 536391, MedGen C5555857, MONDO:0021060.

gnomAD v4.1: 1 of 1,590,966 alleles (0.000063%); highest among the groups gnomAD compares: Non-Finnish European, 0.000086%; no homozygotes.

Submissions (2):

Mayo Clinic Laboratories, Mayo Clinic
Classification: Likely benign. Last evaluated: 2025-03-04. Review status: criteria provided, single submitter. Criteria: ACMG Guidelines, 2015. Collection method: clinical testing. Allele origin: germline. Observed: 1 variant allele.
Comment: BP4, BP7, PM2_supporting

Labcorp Genetics (formerly Invitae), Labcorp
Classification: Likely benign for RASopathy. Last evaluated: 2023-11-28. Review status: criteria provided, single submitter. Criteria: Invitae Variant Classification Sherloc (09022015). Collection method: clinical testing. Allele origin: germline.